The following is an entry in ClinVar:

NM_001354483.2(CSGALNACT1):c.301A>C (p.Ser101Arg)

Gene: CSGALNACT1 (chondroitin sulfate N-acetylgalactosaminyltransferase 1; minus strand). Cytogenetic location: 8p21.3.
Variant type: single nucleotide variant.
Coding change: c.301A>C on transcript NM_001354483.2 (MANE Select); coding-DNA position 301, A replaced by C.
Protein change: p.Ser101Arg; replaces serine 101 with arginine.
Molecular consequence: missense variant. On other transcripts: non-coding transcript variant (7).
Genome position (GRCh38, 1-based): chr8:19,505,534, T>G on the plus strand (A>C on the coding strand, the complement: CSGALNACT1 is on the minus strand). VCF-style: chr8-19505534-T-G. GRCh37 (hg19) VCF-style: chr8-19363045-T-G.
Other names: c.301A>C, p.Ser101Arg (NM_001130518.2, NM_001354475.2, NM_001354476.2 and 18 more transcripts); short protein forms S101R.
Identifiers: ClinVar variation 1386434 (VCV001386434.6), dbSNP rs2153997139, ClinGen allele CA370461530.

ClinVar aggregate classification (germline): Uncertain significance (1 of 4 stars; one submission).

gnomAD v4.1: 1 of 1,614,028 alleles (0.000062%); highest among the groups gnomAD compares: African/African-American, 0.0013%; no homozygotes.

Submission:

Labcorp Genetics (formerly Invitae), Labcorp
Classification: Uncertain significance. Last evaluated: 2021-11-21. Review status: criteria provided, single submitter. Criteria: Invitae Variant Classification Sherloc (09022015). Collection method: clinical testing. Allele origin: germline.
Comment: This sequence change replaces serine, which is neutral and polar, with arginine, which is basic and polar, at codon 101 of the CSGALNACT1 protein (p.Ser101Arg). This variant is not present in population databases (gnomAD no frequency). This variant has not been reported in the literature in individuals affected with CSGALNACT1-related conditions. Algorithms developed to predict the effect of missense changes on protein structure and function output the following: SIFT: "Deleterious"; PolyPhen-2: "Benign"; Align-GVGD: "Class C0". The arginine amino acid residue is found in multiple mammalian species, which suggests that this missense change does not adversely affect protein function. In summary, the available evidence is currently insufficient to determine the role of this variant in disease. Therefore, it has been classified as a Variant of Uncertain Significance.